The following is an entry in ClinVar:

ClinVar aggregate classification (germline): Benign/Likely benign. Review status: criteria provided, multiple submitters, no conflicts (2 of 4 stars). 6 submissions from 6 submitters: Benign (3); Likely benign (2). 1 of the submissions does not count toward it. Last evaluated 2026-01-08.

Conditions:
Developmental and epileptic encephalopathy, 18 (DEE18). Also called: Early infantile epileptic encephalopathy 18. Identifiers: Orphanet 369894, MedGen C3809624, MONDO:0014201, OMIM 615476.
SZT2-related disorder. Also called: SZT2-related condition.
Inborn genetic diseases. Identifiers: MedGen C0950123, MeSH D030342.

Allele frequency attached by ClinVar (database versions not stated): gnomAD 0.00001 and 0.00013; TOPMed 0.00006; ESP Exome Variant Server 0.00017; gnomAD exomes 0.00059; ExAC 0.00073; 1000 Genomes Project 0.00180; 1000 Genomes Project 30x 0.00234.
gnomAD v4.1: 486 of 1,598,088 alleles (0.03%); highest among the groups gnomAD compares: South Asian, 0.51%; 3 homozygotes.

Submissions (6):

Labcorp Genetics (formerly Invitae), Labcorp
Classification: Benign. Last evaluated: 2026-01-08. Review status: criteria provided, single submitter. Criteria: Invitae Variant Classification Sherloc (09022015). Collection method: clinical testing. Allele origin: germline.

Genome-Nilou Lab
Classification: Benign for Developmental and epileptic encephalopathy, 18. Last evaluated: 2023-04-11. Review status: criteria provided, single submitter. Criteria: ACMG Guidelines, 2015. Collection method: clinical testing. Allele origin: germline. Affected: no.

Blueprint Genetics
Classification: Likely benign. Last evaluated: 2023-02-23. Review status: criteria provided, single submitter. Criteria: ACMG Guidelines, 2015. Collection method: clinical testing. Allele origin: germline.

GeneDx
Classification: Likely benign. Last evaluated: 2020-03-20. Review status: criteria provided, single submitter. Criteria: GeneDx Variant Classification Process June 2021. Collection method: clinical testing. Allele origin: germline. Affected: yes.

Ambry Genetics
Classification: Benign for Inborn genetic diseases. Last evaluated: 2017-06-30. Review status: criteria provided, single submitter. Criteria: Ambry Variant Classification Scheme 2023. Collection method: clinical testing. Allele origin: germline.

PreventionGenetics, part of Exact Sciences
Classification: Likely benign for SZT2-related condition. Last evaluated: 2024-08-07. Review status: no assertion criteria provided. Collection method: clinical testing. Allele origin: germline. Not counted in ClinVar's aggregate classification.
Comment: This variant is classified as likely benign based on ACMG/AMP sequence variant interpretation guidelines (Richards et al. 2015 PMID: 25741868, with internal and published modifications).

NM_001365999.1(SZT2):c.780C>T (p.Ile260=)

Gene: SZT2 (SZT2 subunit of KICSTOR complex; plus strand). Cytogenetic location: 1p34.2.
Variant type: single nucleotide variant.
Coding change: c.780C>T on transcript NM_001365999.1 (MANE Select); coding-DNA position 780, C replaced by T.
Protein change: p.Ile260=; no amino-acid change (isoleucine 260 retained).
Molecular consequence: synonymous variant.
Genome position (GRCh38, 1-based): chr1:43,416,542, C>T. VCF-style: chr1-43416542-C-T. GRCh37 (hg19) VCF-style: chr1-43882213-C-T.
Other names: c.780C>T, p.Ile260= (NM_015284.4).
Identifiers: ClinVar variation 701090 (VCV000701090.17), dbSNP rs375794037, ClinGen allele CA808272.